The following is an entry in ClinVar:

NM_000883.4(IMPDH1):c.119T>C (p.Leu40Pro)

Genes: IMPDH1 (inosine monophosphate dehydrogenase 1; minus strand), LOC129999258 (ATAC-STARR-seq lymphoblastoid silent region 18606; plus strand). Cytogenetic location: 7q32.1.
Variant type: single nucleotide variant.
Coding change: c.119T>C on transcript NM_000883.4 (MANE Select); coding-DNA position 119, T replaced by C.
Protein change: p.Leu40Pro; replaces leucine 40 with proline.
Molecular consequence: missense variant.
Genome position (GRCh38, 1-based): chr7:128,409,783, A>G on the plus strand (T>C on the coding strand, the complement: IMPDH1 is on the minus strand). VCF-style: chr7-128409783-A-G. GRCh37 (hg19) VCF-style: chr7-128049837-A-G.
Other names: c.119T>C, p.Leu40Pro (NM_001102605.2, NM_001142576.2, NM_001304521.2 and 1 more transcripts); short protein forms L40P.
Identifiers: ClinVar variation 3722072 (VCV003722072.2).

ClinVar aggregate classification (germline): Uncertain significance (1 of 4 stars; one submission).

gnomAD v4.1: 4 of 1,519,524 alleles (0.00026%); highest among the groups gnomAD compares: Non-Finnish European, 0.00018%; no homozygotes.

Submission:

Labcorp Genetics (formerly Invitae), Labcorp
Classification: Uncertain significance. Last evaluated: 2024-10-18. Review status: criteria provided, single submitter. Criteria: Invitae Variant Classification Sherloc (09022015). Collection method: clinical testing. Allele origin: germline.
Comment: This sequence change replaces leucine, which is neutral and non-polar, with proline, which is neutral and non-polar, at codon 40 of the IMPDH1 protein (p.Leu40Pro). The frequency data for this variant in the population databases is considered unreliable, as metrics indicate poor data quality at this position in the gnomAD database. This variant has not been reported in the literature in individuals affected with IMPDH1-related conditions. An algorithm developed to predict the effect of missense changes on protein structure and function (PolyPhen-2) suggests that this variant is likely to be tolerated. In summary, the available evidence is currently insufficient to determine the role of this variant in disease. Therefore, it has been classified as a Variant of Uncertain Significance.